The following is an entry in ClinVar:

ClinVar aggregate classification (germline): Uncertain significance (1 of 4 stars; one submission).

gnomAD v4.1: 7 of 1,613,322 alleles (0.00043%); highest among the groups gnomAD compares: Non-Finnish European, 0.00059%; no homozygotes.

Submission:

Labcorp Genetics (formerly Invitae), Labcorp
Classification: Uncertain significance. Last evaluated: 2022-09-01. Review status: criteria provided, single submitter. Criteria: Invitae Variant Classification Sherloc (09022015). Collection method: clinical testing. Allele origin: germline.
Comment: This sequence change replaces proline, which is neutral and non-polar, with serine, which is neutral and polar, at codon 148 of the COL11A1 protein (p.Pro148Ser). In summary, the available evidence is currently insufficient to determine the role of this variant in disease. Therefore, it has been classified as a Variant of Uncertain Significance. Advanced modeling of protein sequence and biophysical properties (such as structural, functional, and spatial information, amino acid conservation, physicochemical variation, residue mobility, and thermodynamic stability) performed at Invitae indicates that this missense variant is not expected to disrupt COL11A1 protein function. ClinVar contains an entry for this variant (Variation ID: 1415857). This variant has not been reported in the literature in individuals affected with COL11A1-related conditions. This variant is not present in population databases (gnomAD no frequency).

NM_001854.4(COL11A1):c.442C>T (p.Pro148Ser)

Gene: COL11A1 (collagen type XI alpha 1 chain; minus strand). Cytogenetic location: 1p21.1.
Variant type: single nucleotide variant.
Coding change: c.442C>T on transcript NM_001854.4 (MANE Select); coding-DNA position 442, C replaced by T.
Protein change: p.Pro148Ser; replaces proline 148 with serine.
Molecular consequence: missense variant. On other transcripts: non-coding transcript variant (1).
Genome position (GRCh38, 1-based): chr1:103,078,704, G>A on the plus strand (C>T on the coding strand, the complement: COL11A1 is on the minus strand). VCF-style: chr1-103078704-G-A. GRCh37 (hg19) VCF-style: chr1-103544260-G-A.
Other names: c.442C>T, p.Pro148Ser (NM_001190709.2, NM_080629.3, NM_080630.4); short protein forms P148S.
Identifiers: ClinVar variation 1415857 (VCV001415857.6), dbSNP rs1322123798, ClinGen allele CA341167726.
Genomic context (GRCh38, chr1:103,078,704, plus strand): 5'-ATTTTGTTACTTACTTCCCGTCAGCGATGTTAACAGTTCTGAAGAGGGGATAGTCTTCTG[G>A]GGCAGGTTTTCCAGTGTGGTCTTCAAACAGAAAAACAGGTGATCTCCCAACCTCAACACC-3'
Protein context (NP_001845.3, residues 138-158): LFEDHTGKPA[Pro148Ser]EDYPLFRTVN